The following is an entry in ClinVar:

ClinVar aggregate classification (germline): Benign/Likely benign. Review status: criteria provided, multiple submitters, no conflicts (2 of 4 stars). 4 submissions from 4 submitters: Benign (1); Likely benign (2). 1 of the submissions does not count toward it. Last evaluated 2024-09-30.

Conditions:
CTRC-related disorder. Also called: CTRC-related condition.
Hereditary pancreatitis (PCTT). Also called: PRSS1-Related Hereditary Pancreatitis; Hereditary chronic pancreatitis. Identifiers: Orphanet 676, MedGen C0238339, MONDO:0008185, OMIM 167800.

Allele frequency attached by ClinVar (database versions not stated): TOPMed 0.00002; gnomAD 0.00003; gnomAD exomes 0.00007 and 0.00016; ExAC 0.00012.
gnomAD v4.1: 49 of 1,613,792 alleles (0.003%); highest among the groups gnomAD compares: Admixed American, 0.078%; no homozygotes.

Submissions (4):

Mayo Clinic Laboratories, Mayo Clinic
Classification: Likely benign. Last evaluated: 2024-09-30. Review status: criteria provided, single submitter. Criteria: ACMG Guidelines, 2015. Collection method: clinical testing. Allele origin: germline. Observed: 1 variant allele.
Comment: BP4, BP7

Labcorp Genetics (formerly Invitae), Labcorp
Classification: Benign for Hereditary pancreatitis. Last evaluated: 2023-04-28. Review status: criteria provided, single submitter. Criteria: Invitae Variant Classification Sherloc (09022015). Collection method: clinical testing. Allele origin: germline.

ARUP Laboratories, Molecular Genetics and Genomics, ARUP Laboratories
Classification: Likely benign for Hereditary pancreatitis. Last evaluated: 2018-10-11. Review status: criteria provided, single submitter. Criteria: ARUP Molecular Germline Variant Investigation Process. Collection method: clinical testing. Allele origin: germline.

PreventionGenetics, part of Exact Sciences
Classification: Likely benign for CTRC-related condition. Last evaluated: 2021-10-21. Review status: no assertion criteria provided. Collection method: clinical testing. Allele origin: germline. Not counted in ClinVar's aggregate classification.
Comment: This variant is classified as likely benign based on ACMG/AMP sequence variant interpretation guidelines (Richards et al. 2015 PMID: 25741868, with internal and published modifications).

NM_007272.3(CTRC):c.356+7G>C

Gene: CTRC (chymotrypsin C; plus strand). Cytogenetic location: 1p36.21.
Variant type: single nucleotide variant.
Coding change: c.356+7G>C on transcript NM_007272.3 (MANE Select); 7 bases into the intron after coding-DNA position 356, G replaced by C.
Molecular consequence: intron variant.
Genome position (GRCh38, 1-based): chr1:15,442,579, G>C. VCF-style: chr1-15442579-G-C. GRCh37 (hg19) VCF-style: chr1-15769075-G-C.
Other names: p.?; c.356+7G>C (NM_007272.2).
Identifiers: ClinVar variation 810963 (VCV000810963.19), dbSNP rs773334021, ClinGen allele CA613321.